The following is an entry in ClinVar:

NM_001320198.2(KRT86):c.60C>G (p.Pro20=)

Gene: KRT86 (keratin 86; plus strand). Cytogenetic location: 12q13.13.
Variant type: single nucleotide variant.
Coding change: c.60C>G on transcript NM_001320198.2 (MANE Select); coding-DNA position 60, C replaced by G.
Protein change: p.Pro20=; no amino-acid change (proline 20 retained).
Molecular consequence: synonymous variant.
Genome position (GRCh38, 1-based): chr12:52,301,976, C>G. VCF-style: chr12-52301976-C-G. GRCh37 (hg19) VCF-style: chr12-52695760-C-G.
Other names: NM_002284.3:c.60C>G.
Identifiers: ClinVar variation 1219942 (VCV001219942.29), dbSNP rs201694571, ClinGen allele CA6576751.

ClinVar aggregate classification (germline): Benign/Likely benign. Review status: criteria provided, multiple submitters, no conflicts (2 of 4 stars). 4 submissions from 4 submitters: Benign (1); Likely benign (3). Last evaluated 2024-11-26.

Allele frequency attached by ClinVar (database versions not stated): ESP Exome Variant Server 0.00273; gnomAD exomes 0.00290; gnomAD 0.00500 and 0.00512; 1000 Genomes Project 0.00519; 1000 Genomes Project 30x 0.00625.
gnomAD v4.1: 5,034 of 1,613,342 alleles (0.31%); highest among the groups gnomAD compares: African/African-American, 1.1%; 11 homozygotes.

Submissions (4):

Blueprint Genetics
Classification: Likely benign. Last evaluated: 2024-11-26. Review status: criteria provided, single submitter. Criteria: ACMG Guidelines, 2015. Collection method: clinical testing. Allele origin: germline.

CeGaT Center for Human Genetics Tuebingen
Classification: Benign. Last evaluated: 2022-08-01. Review status: criteria provided, single submitter. Criteria: CeGaT Center For Human Genetics Tuebingen Variant Classification Criteria Version 2. Collection method: clinical testing. Allele origin: germline. Affected: yes. Observed: 1 variant allele.
Comment: KRT86: BS1, BS2

GeneDx
Classification: Likely benign. Last evaluated: 2019-01-17. Review status: criteria provided, single submitter. Criteria: GeneDx Variant Classification Process June 2021. Collection method: clinical testing. Allele origin: germline. Affected: yes.

Breakthrough Genomics
Classification: Likely benign. Review status: criteria provided, single submitter. Criteria: ACMG Guidelines, 2015. Collection method: not provided. Allele origin: germline. Inheritance: Autosomal dominant inheritance. Affected: yes.